The following is an entry in ClinVar:

ClinVar aggregate classification (germline): Likely benign (1 of 4 stars; one submission).

Submission:

GeneDx
Classification: Likely benign. Last evaluated: 2016-03-03. Review status: criteria provided, single submitter. Criteria: GeneDx Variant Classification (06012015). Collection method: clinical testing. Allele origin: germline. Affected: yes.
Comment: This variant is considered likely benign or benign based on one or more of the following criteria: it is a conservative change, it occurs at a poorly conserved position in the protein, it is predicted to be benign by multiple in silico algorithms, and/or has population frequency not consistent with disease.

NM_018060.4(IARS2):c.492A>G (p.Val164=)

Gene: IARS2 (isoleucyl-tRNA synthetase 2, mitochondrial; plus strand). Cytogenetic location: 1q41.
Variant type: single nucleotide variant.
Coding change: c.492A>G on transcript NM_018060.4 (MANE Select); coding-DNA position 492, A replaced by G.
Protein change: p.Val164=; no amino-acid change (valine 164 retained).
Molecular consequence: synonymous variant.
Genome position (GRCh38, 1-based): chr1:220,100,591, A>G. VCF-style: chr1-220100591-A-G. GRCh37 (hg19) VCF-style: chr1-220273933-A-G.
Identifiers: ClinVar variation 383514 (VCV000383514.1), dbSNP rs1057521649, ClinGen allele CA16603541.